The following is an entry in ClinVar:

NM_001875.5(CPS1):c.2131T>C (p.Cys711Arg)

Gene: CPS1 (carbamoyl-phosphate synthase 1; plus strand). Cytogenetic location: 2q34.
Variant type: single nucleotide variant.
Coding change: c.2131T>C on transcript NM_001875.5 (MANE Select); coding-DNA position 2131, T replaced by C.
Protein change: p.Cys711Arg; replaces cysteine 711 with arginine.
Molecular consequence: missense variant. On other transcripts: non-coding transcript variant (2).
Genome position (GRCh38, 1-based): chr2:210,606,880, T>C. VCF-style: chr2-210606880-T-C. GRCh37 (hg19) VCF-style: chr2-211471604-T-C.
Other names: c.2131T>C, p.Cys711Arg (NM_001122633.3, NM_001369257.1); c.2164T>C, p.Cys722Arg (NM_001369256.1); short protein forms C711R, C722R.
Identifiers: ClinVar variation 1357321 (VCV001357321.6), dbSNP rs1244823608, ClinGen allele CA350439107.

ClinVar aggregate classification (germline): Uncertain significance (1 of 4 stars; one submission).

Conditions:
Congenital hyperammonemia, type I. Also called: CPS I DEFICIENCY; Carbamoyl-phosphate synthase I deficiency; Carbamoyl phosphate synthetase 1 deficiency; Hyperammonemia due to carbamoyl phosphate synthetase 1 deficiency; CPS 1 deficiency; Carbamyl phosphate synthetase (CPS) deficiency. Identifiers: Orphanet 147, MedGen C4082171, MONDO:0009376, OMIM 237300.

Allele frequency attached by ClinVar (database versions not stated): TOPMed 0.00001.
gnomAD v4.1: 1 of 1,612,672 alleles (0.000062%); highest among the groups gnomAD compares: Non-Finnish European, 0.000085%; no homozygotes.

Submission:

Labcorp Genetics (formerly Invitae), Labcorp
Classification: Uncertain significance for Congenital hyperammonemia, type I. Last evaluated: 2020-12-18. Review status: criteria provided, single submitter. Criteria: Invitae Variant Classification Sherloc (09022015). Collection method: clinical testing. Allele origin: germline.
Comment: In summary, the available evidence is currently insufficient to determine the role of this variant in disease. Therefore, it has been classified as a Variant of Uncertain Significance. Algorithms developed to predict the effect of missense changes on protein structure and function are either unavailable or do not agree on the potential impact of this missense change (SIFT: "Tolerated"; PolyPhen-2: "Possibly Damaging"; Align-GVGD: "Class C0"). This variant has not been reported in the literature in individuals with CPS1-related conditions. This variant is not present in population databases (ExAC no frequency). This sequence change replaces cysteine with arginine at codon 711 of the CPS1 protein (p.Cys711Arg). The cysteine residue is moderately conserved and there is a large physicochemical difference between cysteine and arginine.